The following is an entry in ClinVar:

ClinVar aggregate classification (germline): Likely pathogenic. Review status: criteria provided, multiple submitters, no conflicts (2 of 4 stars). 2 submissions from 2 submitters: Likely pathogenic (2). Last evaluated 2024-07-29.

Conditions:
Congenital microcephaly - severe encephalopathy - progressive cerebral atrophy syndrome. Also called: ASNS DEFICIENCY; Asparagine synthetase deficiency. Identifiers: Orphanet 391376, MedGen C3809971, MONDO:0014258, OMIM 615574.

Submissions (2):

Natera, Inc.
Classification: Likely pathogenic for Asparagine synthetase deficiency. Last evaluated: 2024-07-29. Review status: criteria provided, single submitter. Criteria: Natera Variant Classification Schema (03/2026). Collection method: clinical testing. Allele origin: germline.
Comment: The c.1239-2A>T variant in ASNS is a canonical splice acceptor site variant predicted to affect pre-mRNA splicing, which may result in an abnormal transcript and altered protein product. This variant is expected to result in nonsense mediated decay, truncation, or a dysfunctional protein product. This variant is rare in the general population with a frequency below the threshold expected for the associated phenotype(s). Given the available evidence, this variant is classified as Likely Pathogenic.

Labcorp Genetics (formerly Invitae), Labcorp
Classification: Likely pathogenic. Last evaluated: 2023-10-07. Review status: criteria provided, single submitter. Criteria: Invitae Variant Classification Sherloc (09022015). Collection method: clinical testing. Allele origin: germline.
Comment: This sequence change affects an acceptor splice site in intron 10 of the ASNS gene. It is expected to disrupt RNA splicing. Variants that disrupt the donor or acceptor splice site typically lead to a loss of protein function (PMID: 16199547), and loss-of-function variants in ASNS are known to be pathogenic (PMID: 27422383, 30057589). This variant is not present in population databases (gnomAD no frequency). This variant has not been reported in the literature in individuals affected with ASNS-related conditions. ClinVar contains an entry for this variant (Variation ID: 2116384). Algorithms developed to predict the effect of sequence changes on RNA splicing suggest that this variant may disrupt the consensus splice site. In summary, the currently available evidence indicates that the variant is pathogenic, but additional data are needed to prove that conclusively. Therefore, this variant has been classified as Likely Pathogenic.

Literature cited by the submitters: PubMed 16199547 (cited by Labcorp Genetics (formerly Invitae), Labcorp); PubMed 27422383 (cited by Labcorp Genetics (formerly Invitae), Labcorp); PubMed 30057589 (cited by Labcorp Genetics (formerly Invitae), Labcorp).

NM_001673.5(ASNS):c.1239-2A>T

Genes: ASNS (asparagine synthetase (glutamine-hydrolyzing); minus strand), CZ1P-ASNS (CZ1P-ASNS readthrough; minus strand). Cytogenetic location: 7q21.3.
Variant type: single nucleotide variant.
Coding change: c.1239-2A>T on transcript NM_001673.5 (MANE Select); the canonical splice acceptor site of the intron before coding-DNA position 1239, A replaced by T.
Molecular consequence: splice acceptor variant.
Genome position (GRCh38, 1-based): chr7:97,853,388, T>A on the plus strand (A>T on the coding strand, the complement: ASNS is on the minus strand). VCF-style: chr7-97853388-T-A. GRCh37 (hg19) VCF-style: chr7-97482700-T-A.
Other names: c.990-2A>T (NM_001178077.1, NM_001178076.2); c.1239-2A>T (NM_133436.3, NM_001352496.2, NM_183356.4); c.1176-2A>T (NM_001178075.2).
Identifiers: ClinVar variation 2116384 (VCV002116384.5), dbSNP rs2484630835, ClinGen allele CA368265303.